The following is an entry in ClinVar:

NM_001276345.2(TNNT2):c.68-3C>T

Gene: TNNT2 (troponin T2, cardiac type; minus strand). Cytogenetic location: 1q32.1.
Variant type: single nucleotide variant.
Coding change: c.68-3C>T on transcript NM_001276345.2 (MANE Select); 3 bases into the intron before coding-DNA position 68, C replaced by T.
Molecular consequence: intron variant.
Genome position (GRCh38, 1-based): chr1:201,369,848, G>A on the plus strand (C>T on the coding strand, the complement: TNNT2 is on the minus strand). VCF-style: chr1-201369848-G-A. GRCh37 (hg19) VCF-style: chr1-201338976-G-A.
Other names: c.53-1621C>T (NM_001001432.3); c.68-1621C>T (NM_001001431.3, NM_001001430.3, NM_001276347.2); c.68-3C>T (NM_001276346.2, NM_000364.4).
Identifiers: ClinVar variation 137690 (VCV000137690.4), dbSNP rs587780970, ClinGen allele CA004911.

ClinVar aggregate classification (germline): Benign. Review status: criteria provided, single submitter (1 of 4 stars). 3 submissions from 3 submitters: Benign (1). 2 of the submissions do not count toward it. Last evaluated 2014-05-24.

Submissions (3):

GeneDx
Classification: Benign. Last evaluated: 2014-05-24. Review status: criteria provided, single submitter. Criteria: GeneDx Variant Classification (06012015). Collection method: clinical testing. Allele origin: germline. Affected: yes.
Comment: This variant is considered likely benign or benign based on one or more of the following criteria: it is a conservative change, it occurs at a poorly conserved position in the protein, it is predicted to be benign by multiple in silico algorithms, and/or has population frequency not consistent with disease.

Clinical Genetics, Academic Medical Center
Classification: Likely benign. Review status: no assertion criteria provided. Collection method: clinical testing. Allele origin: germline. Affected: yes. Study: VKGL Data-share Consensus. Not counted in ClinVar's aggregate classification.

Diagnostic Laboratory, Department of Genetics, University Medical Center Groningen
Classification: Likely benign. Review status: no assertion criteria provided. Collection method: clinical testing. Allele origin: germline. Affected: yes. Study: VKGL Data-share Consensus. Not counted in ClinVar's aggregate classification.